The following is an entry in ClinVar:

ClinVar aggregate classification (germline): Uncertain significance (1 of 4 stars; one submission).

Submission:

GeneDx
Classification: Uncertain significance. Last evaluated: 2022-05-12. Review status: criteria provided, single submitter. Criteria: GeneDx Variant Classification Process June 2021. Collection method: clinical testing. Allele origin: germline. Affected: yes.
Comment: Not observed at significant frequency in large population cohorts (gnomAD); In silico analysis supports that this missense variant does not alter protein structure/function; Has not been previously published as pathogenic or benign to our knowledge

NM_152703.5(SAMD9L):c.2005A>T (p.Ile669Phe)

Gene: SAMD9L (sterile alpha motif domain containing 9 like; minus strand). Cytogenetic location: 7q21.2.
Variant type: single nucleotide variant.
Coding change: c.2005A>T on transcript NM_152703.5 (MANE Select); coding-DNA position 2005, A replaced by T.
Protein change: p.Ile669Phe; replaces isoleucine 669 with phenylalanine.
Molecular consequence: missense variant.
Genome position (GRCh38, 1-based): chr7:93,133,967, T>A on the plus strand (A>T on the coding strand, the complement: SAMD9L is on the minus strand). VCF-style: chr7-93133967-T-A. GRCh37 (hg19) VCF-style: chr7-92763280-T-A.
Other names: c.2005A>T, p.Ile669Phe (NM_001303496.3, NM_001303497.3, NM_001303498.3 and 5 more transcripts); short protein forms I669F.
Identifiers: ClinVar variation 1723489 (VCV001723489.2), dbSNP rs1792282299, ClinGen allele CA368193632.